The following is an entry in ClinVar:

NM_001613.4(ACTA2):c.455G>A (p.Gly152Asp)

Gene: ACTA2 (actin alpha 2, smooth muscle; minus strand). Cytogenetic location: 10q23.31.
Variant type: single nucleotide variant.
Coding change: c.455G>A on transcript NM_001613.4 (MANE Select); coding-DNA position 455, G replaced by A.
Protein change: p.Gly152Asp; replaces glycine 152 with aspartic acid.
Molecular consequence: missense variant.
Genome position (GRCh38, 1-based): chr10:88,941,390, C>T on the plus strand (G>A on the coding strand, the complement: ACTA2 is on the minus strand). VCF-style: chr10-88941390-C-T. GRCh37 (hg19) VCF-style: chr10-90701147-C-T.
Other names: c.455G>A, p.Gly152Asp (NM_001141945.3, NM_001320855.2, NM_001406462.1 and 3 more transcripts); c.344G>A, p.Gly115Asp (NM_001406466.1); c.326G>A, p.Gly109Asp (NM_001406467.1, NM_001406468.1, NM_001406469.1); short protein forms G152D, G109D, G115D.
Identifiers: ClinVar variation 649711 (VCV000649711.11), dbSNP rs1589394206, ClinGen allele CA377512386.

ClinVar aggregate classification (germline): Uncertain significance. Review status: criteria provided, multiple submitters, no conflicts (2 of 4 stars). 2 submissions from 2 submitters: Uncertain significance (2). Last evaluated 2024-11-19.

Conditions:
Aortic aneurysm, familial thoracic 6 (AAT6). Also called: FAMILIAL THORACIC AORTIC ANEURYSM WITH LIVEDO RETICULARIS AND IRIS FLOCCULI. Identifiers: MedGen C2673186, MONDO:0012730, OMIM 611788.
Familial thoracic aortic aneurysm and aortic dissection (TAAD). Also called: Thoracic aortic aneurysms and dissections. Identifiers: Orphanet 91387, MedGen C4707243, MONDO:0019625.

Submissions (2):

Labcorp Genetics (formerly Invitae), Labcorp
Classification: Uncertain significance for Aortic aneurysm, familial thoracic 6. Last evaluated: 2024-11-19. Review status: criteria provided, single submitter. Criteria: Invitae Variant Classification Sherloc (09022015). Collection method: clinical testing. Allele origin: germline.
Comment: This sequence change replaces glycine, which is neutral and non-polar, with aspartic acid, which is acidic and polar, at codon 152 of the ACTA2 protein (p.Gly152Asp). This variant is not present in population databases (gnomAD no frequency). This variant has not been reported in the literature in individuals affected with ACTA2-related conditions. ClinVar contains an entry for this variant (Variation ID: 649711). An algorithm developed to predict the effect of missense changes on protein structure and function (PolyPhen-2) suggests that this variant is likely to be disruptive. In summary, the available evidence is currently insufficient to determine the role of this variant in disease. Therefore, it has been classified as a Variant of Uncertain Significance.

Ambry Genetics
Classification: Uncertain significance for Familial thoracic aortic aneurysm and aortic dissection. Last evaluated: 2024-09-26. Review status: criteria provided, single submitter. Criteria: Ambry Variant Classification Scheme 2023. Collection method: clinical testing. Allele origin: germline.